The following is an entry in ClinVar:

ClinVar aggregate classification (germline): Likely benign. Review status: criteria provided, multiple submitters, no conflicts (2 of 4 stars). 2 submissions from 2 submitters: Likely benign (2). Last evaluated 2025-10-27.

Submissions (2):

Labcorp Genetics (formerly Invitae), Labcorp
Classification: Likely benign. Last evaluated: 2025-10-27. Review status: criteria provided, single submitter. Criteria: Invitae Variant Classification Sherloc (09022015). Collection method: clinical testing. Allele origin: germline.

GeneDx
Classification: Likely benign. Last evaluated: 2023-08-22. Review status: criteria provided, single submitter. Criteria: GeneDx Variant Classification Process June 2021. Collection method: clinical testing. Allele origin: germline. Affected: yes.
Comment: See Variant Classification Assertion Criteria.

NM_004247.4(EFTUD2):c.1150-13del

Gene: EFTUD2 (elongation factor Tu GTP binding domain containing 2; minus strand). Cytogenetic location: 17q21.31.
Variant type: Deletion.
Coding change: c.1150-13del on transcript NM_004247.4 (MANE Select); 13 bases into the intron before coding-DNA position 1150, one base deleted (T; older notation c.1150-13delT).
Molecular consequence: intron variant.
Genome position (GRCh38, 1-based): chr17:44,865,078, A deleted on the plus strand (T on the coding strand, the reverse complement: EFTUD2 is on the minus strand); the first of 2 consecutive A bases (chr17:44,865,078-44,865,079); deleting either gives the same sequence. VCF-style (leftmost placement, unchanged base first): chr17-44865077-TA-T. GRCh37 (hg19) VCF-style: chr17-42942445-TA-T.
Other names: c.1045-13del (NM_001142605.2); c.1120-13del (NM_001258354.2); c.1150-13del (NM_001258353.2).
Identifiers: ClinVar variation 1186991 (VCV001186991.11), dbSNP rs886612768, ClinGen allele CA290990672.